The following is an entry in ClinVar:

NM_001042492.3(NF1):c.4120C>T (p.His1374Tyr)

Gene: NF1 (neurofibromin 1; plus strand). Cytogenetic location: 17q11.2.
Variant type: single nucleotide variant.
Coding change: c.4120C>T on transcript NM_001042492.3 (MANE Select); coding-DNA position 4120, C replaced by T.
Protein change: p.His1374Tyr; replaces histidine 1374 with tyrosine.
Molecular consequence: missense variant. On other transcripts: intron variant (1).
Genome position (GRCh38, 1-based): chr17:31,252,947, C>T. VCF-style: chr17-31252947-C-T. GRCh37 (hg19) VCF-style: chr17-29579965-C-T.
Other names: c.4110+3828C>T (NM_000267.4); short protein forms H1374Y.
Identifiers: ClinVar variation 185155 (VCV000185155.11), dbSNP rs764123241, ClinGen allele CA191172.

ClinVar aggregate classification (germline): Conflicting classifications of pathogenicity. Review status: criteria provided, conflicting classifications (1 of 4 stars). 3 submissions from 3 submitters: Uncertain significance (2); Likely benign (1). Last evaluated 2024-10-07.

Conditions:
Hereditary cancer-predisposing syndrome. Also called: Tumor predisposition; Hereditary Cancer Syndrome; Hereditary neoplastic syndrome; Neoplastic Syndromes, Hereditary. Identifiers: Orphanet 140162, MedGen C0027672, MeSH D009386, MONDO:0015356.
Neurofibromatosis, type 1 (NF1). Also called: VON RECKLINGHAUSEN DISEASE; NEUROFIBROMATOSIS, TYPE I, SOMATIC; Peripheral type neurofibromatosis; Neurofibromatosis, type I. Identifiers: Orphanet 636, MedGen C0027831, MONDO:0018975, OMIM 162200. Disease mechanism: loss of function.

Allele frequency attached by ClinVar (database versions not stated): ExAC 0.00001; gnomAD 0.00001; TOPMed 0.00001.
gnomAD v4.1: 10 of 1,613,312 alleles (0.00062%); highest among the groups gnomAD compares: Non-Finnish European, 0.00085%; no homozygotes.

Submissions (3):

Labcorp Genetics (formerly Invitae), Labcorp
Classification: Likely benign for Neurofibromatosis, type 1. Last evaluated: 2024-10-07. Review status: criteria provided, single submitter. Criteria: Invitae Variant Classification Sherloc (09022015). Collection method: clinical testing. Allele origin: germline.

GeneDx
Classification: Uncertain significance. Last evaluated: 2017-01-03. Review status: criteria provided, single submitter. Criteria: GeneDx Variant Classification (06012015). Collection method: clinical testing. Allele origin: germline. Affected: yes.
Comment: The H1374Y variant was not observed in approximately 6000 individuals of European and African American ancestry in the NHLBI Exome Sequencing Project, indicating it is not a common benign variant in these populations. The H1374Y variant is a non-conservative amino acid substitution, which is likely to impact secondary protein structure as these residues differ in polarity, charge, size and/or other properties. In addition, this substitution occurs at a position within the Ras-GAP domain that is conserved across species. However, in silico analysis is inconsistent in its predictions as to whether or not the variant is damaging to the protein structure/function. We interpret H1374Y as a variant of uncertain significance.

Ambry Genetics
Classification: Uncertain significance for Hereditary cancer-predisposing syndrome. Last evaluated: 2016-02-26. Review status: criteria provided, single submitter. Criteria: Ambry Autosomal Dominant and X-Linked criteria (10/2015). Collection method: clinical testing. Allele origin: germline. Observed: 1 variant allele.
Comment: Insufficient or conflicting evidence;In silico models in agreement (deleterious) and/or completely conserved position in appropriate species